The following is an entry in ClinVar:

ClinVar aggregate classification (germline): Uncertain significance (1 of 4 stars; one submission).

Conditions:
Hereditary cancer-predisposing syndrome. Also called: Tumor predisposition; Hereditary Cancer Syndrome; Neoplastic Syndromes, Hereditary; Hereditary neoplastic syndrome. Identifiers: Orphanet 140162, MedGen C0027672, MeSH D009386, MONDO:0015356.

Submission:

Color Diagnostics, LLC DBA Color Health
Classification: Uncertain significance for Hereditary cancer-predisposing syndrome. Last evaluated: 2025-09-11. Review status: criteria provided, single submitter. Criteria: ACMG Guidelines, 2015. Collection method: clinical testing. Allele origin: germline.
Comment: This missense variant replaces serine with cysteine at codon 2368 of the APC protein. Computational prediction suggests that this variant may not impact protein structure and function. To our knowledge, functional studies have not been reported for this variant. This variant has not been reported in individuals affected with APC-related disorders in the literature. This variant has not been identified in the general population by the Genome Aggregation Database (gnomAD). The available evidence is insufficient to determine the role of this variant in disease conclusively. Therefore, this variant is classified as a Variant of Uncertain Significance.

NM_000038.6(APC):c.7103C>G (p.Ser2368Cys)

Gene: APC (APC regulator of Wnt signaling pathway; plus strand). Cytogenetic location: 5q22.2.
Variant type: single nucleotide variant.
Coding change: c.7103C>G on transcript NM_000038.6 (MANE Select); coding-DNA position 7103, C replaced by G.
Protein change: p.Ser2368Cys; replaces serine 2368 with cysteine.
Molecular consequence: missense variant. On other transcripts: non-coding transcript variant (2).
Genome position (GRCh38, 1-based): chr5:112,842,697, C>G. VCF-style: chr5-112842697-C-G. GRCh37 (hg19) VCF-style: chr5-112178394-C-G.
Other names: c.7103C>G, p.Ser2368Cys (NM_001127510.3, NM_001354895.2, NM_001407450.1); c.7049C>G, p.Ser2350Cys (NM_001127511.3); c.7157C>G, p.Ser2386Cys (NM_001354896.2, NM_001407447.1, NM_001407448.1 and 1 more transcripts); c.7133C>G, p.Ser2378Cys (NM_001354897.2); c.7028C>G, p.Ser2343Cys (NM_001354898.2); c.7019C>G, p.Ser2340Cys (NM_001354899.2); c.6980C>G, p.Ser2327Cys (NM_001354900.2); c.6926C>G, p.Ser2309Cys (NM_001354901.2, NM_001407453.1); and 11 more; short protein forms S1984C, S2085C, S2208C, S2239C, S2242C, S2267C, S2277C, S2285C.
Identifiers: ClinVar variation 4756434 (VCV004756434.1).